The following is an entry in ClinVar:

NM_000313.4(PROS1):c.428G>A (p.Cys143Tyr)

Gene: PROS1 (protein S; minus strand). Cytogenetic location: 3q11.1.
Variant type: single nucleotide variant.
Coding change: c.428G>A on transcript NM_000313.4 (MANE Select); coding-DNA position 428, G replaced by A.
Protein change: p.Cys143Tyr; replaces cysteine 143 with tyrosine.
Molecular consequence: missense variant.
Genome position (GRCh38, 1-based): chr3:93,906,062, C>T on the plus strand (G>A on the coding strand, the complement: PROS1 is on the minus strand). VCF-style: chr3-93906062-C-T. GRCh37 (hg19) VCF-style: chr3-93624906-C-T.
Other names: p.Cys143Tyr; c.524G>A, p.Cys175Tyr (NM_001314077.2); short protein forms C143Y, C175Y.
Identifiers: ClinVar variation 4540903 (VCV004540903.1).

ClinVar aggregate classification (germline): Likely pathogenic (1 of 4 stars; one submission).

Submission:

Mayo Clinic Laboratories, Mayo Clinic
Classification: Likely pathogenic. Last evaluated: 2025-08-22. Review status: criteria provided, single submitter. Criteria: ACMG Guidelines, 2015. Collection method: clinical testing. Allele origin: germline. Observed: 1 variant allele.
Comment: PP3_strong, PP4_moderate, PM1, PM2_supporting